The following is an entry in ClinVar:

ClinVar aggregate classification (germline): Uncertain significance. Review status: criteria provided, multiple submitters, no conflicts (2 of 4 stars). 3 submissions from 3 submitters: Uncertain significance (3). Last evaluated 2024-10-29.

Conditions:
Inborn genetic diseases. Identifiers: MedGen C0950123, MeSH D030342.
MPDZ-related disorder. Also called: MPDZ-related condition.

Allele frequency attached by ClinVar (database versions not stated): gnomAD 0.00001; TOPMed 0.00003; ESP Exome Variant Server 0.00008.
gnomAD v4.1: 39 of 1,613,256 alleles (0.0024%); highest among the groups gnomAD compares: Non-Finnish European, 0.0031%; no homozygotes.

Submissions (3):

Labcorp Genetics (formerly Invitae), Labcorp
Classification: Uncertain significance. Last evaluated: 2024-10-29. Review status: criteria provided, single submitter. Criteria: Invitae Variant Classification Sherloc (09022015). Collection method: clinical testing. Allele origin: germline.
Comment: This sequence change replaces glycine, which is neutral and non-polar, with cysteine, which is neutral and slightly polar, at codon 1356 of the MPDZ protein (p.Gly1356Cys). This variant is present in population databases (rs368239297, gnomAD 0.007%). This variant has not been reported in the literature in individuals affected with MPDZ-related conditions. ClinVar contains an entry for this variant (Variation ID: 1520128). An algorithm developed to predict the effect of missense changes on protein structure and function (PolyPhen-2) suggests that this variant is likely to be disruptive. In summary, the available evidence is currently insufficient to determine the role of this variant in disease. Therefore, it has been classified as a Variant of Uncertain Significance.

PreventionGenetics, part of Exact Sciences
Classification: Uncertain significance for MPDZ-related condition. Last evaluated: 2023-09-05. Review status: criteria provided, single submitter. Criteria: ACMG Guidelines, 2015. Collection method: clinical testing. Allele origin: germline.
Comment: The MPDZ c.4066G>T variant is predicted to result in the amino acid substitution p.Gly1356Cys. To our knowledge, this variant has not been reported in the literature. This variant is reported in 0.0065% of alleles in individuals of European (Non-Finnish) descent in gnomAD. At this time, the clinical significance of this variant is uncertain due to the absence of conclusive functional and genetic evidence.

Ambry Genetics
Classification: Uncertain significance for Inborn genetic diseases. Last evaluated: 2023-07-17. Review status: criteria provided, single submitter. Criteria: Ambry Variant Classification Scheme 2023. Collection method: clinical testing. Allele origin: germline.

NM_001378778.1(MPDZ):c.4066G>T (p.Gly1356Cys)

Gene: MPDZ (multiple PDZ domain crumbs cell polarity complex component; minus strand). Cytogenetic location: 9p23.
Variant type: single nucleotide variant.
Coding change: c.4066G>T on transcript NM_001378778.1 (MANE Select); coding-DNA position 4066, G replaced by T.
Protein change: p.Gly1356Cys; replaces glycine 1356 with cysteine.
Molecular consequence: missense variant.
Genome position (GRCh38, 1-based): chr9:13,138,091, C>A on the plus strand (G>T on the coding strand, the complement: MPDZ is on the minus strand). VCF-style: chr9-13138091-C-A. GRCh37 (hg19) VCF-style: chr9-13138090-C-A.
Other names: c.4066G>T (NM_003829.4, NM_003829.3); c.3967G>T, p.Gly1323Cys (NM_001261406.2, NM_001261407.2, NM_001375416.1 and 3 more transcripts); c.4066G>T, p.Gly1356Cys (NM_001330637.2, NM_001375413.1, NM_003829.5); c.3856G>T, p.Gly1286Cys (NM_001375420.1, NM_001375421.1, NM_001375422.1 and 4 more transcripts); c.3658G>T, p.Gly1220Cys (NM_001375427.1); short protein forms G1286C, G1356C, G1220C, G1323C.
Identifiers: ClinVar variation 1520128 (VCV001520128.7), dbSNP rs368239297, ClinGen allele CA189298648.